The following is an entry in ClinVar:

NM_002711.4(PPP1R3A):c.2649G>T (p.Arg883Ser)

Gene: PPP1R3A (protein phosphatase 1 regulatory subunit 3A; minus strand). Cytogenetic location: 7q31.1.
Variant type: single nucleotide variant.
Coding change: c.2649G>T on transcript NM_002711.4 (MANE Select); coding-DNA position 2649, G replaced by T.
Protein change: p.Arg883Ser; replaces arginine 883 with serine.
Molecular consequence: missense variant.
Genome position (GRCh38, 1-based): chr7:113,878,443, C>A on the plus strand (G>T on the coding strand, the complement: PPP1R3A is on the minus strand). VCF-style: chr7-113878443-C-A. GRCh37 (hg19) VCF-style: chr7-113518498-C-A.
Other names: short protein forms R883S.
Identifiers: ClinVar variation 549519 (VCV000549519.4), dbSNP rs1800000, ClinGen allele CA4445034.
Genomic context (GRCh38, chr7:113,878,443, plus strand): 5'-GTTAAAAGCAGAATGCACAATGGCATCCGAGTCTGTTTTCTTTGATAATTCTTGAACCTG[C>A]CTAAGATCTCTGTTTTCTGAAAATACAGTTTTGTCTGTTGGTAACATTCCCAACTGTAAA-3'
Protein context (NP_002702.2, residues 873-893): KTVFSENRDL[Arg883Ser]QVQELSKKTD

ClinVar aggregate classification (germline): Benign. Review status: criteria provided, multiple submitters, no conflicts (2 of 4 stars). 2 submissions from 2 submitters: Benign (2). Last evaluated 2019-02-15.

Conditions:
Monogenic diabetes. Identifiers: Orphanet 183625, MedGen C3888631, MONDO:0015967.

Allele frequency attached by ClinVar (database versions not stated): ESP Exome Variant Server 0.00323; TOPMed 0.01769; gnomAD 0.02352; ExAC 0.02835; gnomAD exomes 0.03188; 1000 Genomes Project 30x 0.03232; 1000 Genomes Project 0.03574.
gnomAD v4.1: 19,759 of 1,612,206 alleles (1.2%); highest among the groups gnomAD compares: East Asian, 13%; 825 homozygotes.

Submissions (2):

Personalized Diabetes Medicine Program, University of Maryland School of Medicine
Classification: Benign for Monogenic diabetes. Last evaluated: 2019-02-15. Review status: criteria provided, single submitter. Criteria: ACMG Guidelines, 2015. Collection method: research. Allele origin: unknown. Observed: 9 variant alleles, 8 heterozygotes, 1 homozygote.
Comment: ACMG criteria: BP4 (REVEL 0.016 + 10 predictors), BA1 (14% in gnomAD EA, 3% overall MAF, 0.5% ENF, 8% EF), BS2 (1549 cases and 1668 controls in an online resource), BP5 (alternate cause identified): benign

Breakthrough Genomics
Classification: Benign. Review status: criteria provided, single submitter. Criteria: ACMG Guidelines, 2015. Collection method: not provided. Allele origin: germline. Inheritance: Autosomal dominant inheritance. Affected: yes.